The following is an entry in ClinVar:

ClinVar aggregate classification (germline): Uncertain significance (1 of 4 stars; one submission).

Conditions:
Kabuki syndrome. Also called: Kabuki make-up syndrome; NIIKAWA-KUROKI SYNDROME. Identifiers: Orphanet 2322, MedGen C0796004, MONDO:0016512.

Submission:

Labcorp Genetics (formerly Invitae), Labcorp
Classification: Uncertain significance for Kabuki syndrome. Last evaluated: 2023-07-17. Review status: criteria provided, single submitter. Criteria: Invitae Variant Classification Sherloc (09022015). Collection method: clinical testing. Allele origin: germline.
Comment: This sequence change falls in intron 24 of the KMT2D gene. It does not directly change the encoded amino acid sequence of the KMT2D protein. It affects a nucleotide within the consensus splice site. This variant is not present in population databases (gnomAD no frequency). This variant has not been reported in the literature in individuals affected with KMT2D-related conditions. Variants that disrupt the consensus splice site are a relatively common cause of aberrant splicing (PMID: 17576681, 9536098). Algorithms developed to predict the effect of sequence changes on RNA splicing suggest that this variant is not likely to affect RNA splicing. In summary, the available evidence is currently insufficient to determine the role of this variant in disease. Therefore, it has been classified as a Variant of Uncertain Significance.

Literature cited by the submitters: PubMed 17576681; PubMed 9536098.

NM_003482.4(KMT2D):c.5533+5G>A

Gene: KMT2D (lysine methyltransferase 2D; minus strand). Cytogenetic location: 12q13.12.
Variant type: single nucleotide variant.
Coding change: c.5533+5G>A on transcript NM_003482.4 (MANE Select); 5 bases into the intron after coding-DNA position 5533, G replaced by A.
Molecular consequence: intron variant.
Genome position (GRCh38, 1-based): chr12:49,043,358, C>T on the plus strand (G>A on the coding strand, the complement: KMT2D is on the minus strand). VCF-style: chr12-49043358-C-T. GRCh37 (hg19) VCF-style: chr12-49437141-C-T.
Identifiers: ClinVar variation 2744119 (VCV002744119.3), dbSNP rs1943627580, ClinGen allele CA2034949591.